The following is an entry in ClinVar:

ClinVar aggregate classification (germline): Uncertain significance (0 of 4 stars; one submission).

Conditions:
PLXNA1-related disorder. Also called: PLXNA1-related condition.

Allele frequency attached by ClinVar (database versions not stated): ExAC 0.00002; gnomAD exomes 0.00002; gnomAD 0.00003; TOPMed 0.00005; ESP Exome Variant Server 0.00008.
gnomAD v4.1: 34 of 1,613,520 alleles (0.0021%); highest among the groups gnomAD compares: Middle Eastern, 0.033%; 1 homozygote.

Submission:

PreventionGenetics, part of Exact Sciences
Classification: Uncertain significance for PLXNA1-related condition. Last evaluated: 2024-07-02. Review status: no assertion criteria provided. Collection method: clinical testing. Allele origin: germline.
Comment: The PLXNA1 c.2189G>A variant is predicted to result in the amino acid substitution p.Arg730Gln. To our knowledge, this variant has not been reported in the literature. This variant is reported in 0.0040% of alleles in individuals of African descent in gnomAD. At this time, the clinical significance of this variant is uncertain due to the absence of conclusive functional and genetic evidence.

NM_032242.4(PLXNA1):c.2189G>A (p.Arg730Gln)

Gene: PLXNA1 (plexin A1; plus strand). Cytogenetic location: 3q21.3.
Variant type: single nucleotide variant.
Coding change: c.2189G>A on transcript NM_032242.4 (MANE Select); coding-DNA position 2189, G replaced by A.
Protein change: p.Arg730Gln; replaces arginine 730 with glutamine.
Molecular consequence: missense variant.
Genome position (GRCh38, 1-based): chr3:127,012,034, G>A. VCF-style: chr3-127012034-G-A. GRCh37 (hg19) VCF-style: chr3-126730877-G-A.
Other names: short protein forms R730Q.
Identifiers: ClinVar variation 2636640 (VCV002636640.2), dbSNP rs369862317, ClinGen allele CA2593542.